The following is an entry in ClinVar:

NM_001164508.2(NEB):c.8620T>A (p.Trp2874Arg)

Gene: NEB (nebulin; minus strand). Cytogenetic location: 2q23.3.
Variant type: single nucleotide variant.
Coding change: c.8620T>A on transcript NM_001164508.2 (MANE Select); coding-DNA position 8620, T replaced by A.
Protein change: p.Trp2874Arg; replaces tryptophan 2874 with arginine.
Molecular consequence: missense variant.
Genome position (GRCh38, 1-based): chr2:151,640,420, A>T on the plus strand (T>A on the coding strand, the complement: NEB is on the minus strand). VCF-style: chr2-151640420-A-T. GRCh37 (hg19) VCF-style: chr2-152496934-A-T.
Other names: c.8620T>A, p.Trp2874Arg (NM_001164507.2, NM_001271208.2, NM_004543.5); short protein forms W2874R.
Identifiers: ClinVar variation 1467188 (VCV001467188.8), dbSNP rs2154104967, ClinGen allele CA348809903.

ClinVar aggregate classification (germline): Uncertain significance (1 of 4 stars; one submission).

Conditions:
Nemaline myopathy 2 (NEM2). Also called: Nemaline myopathy 2, autosomal recessive. Identifiers: MedGen C1850569, MONDO:0009725, OMIM 256030.

Submission:

Labcorp Genetics (formerly Invitae), Labcorp
Classification: Uncertain significance for Nemaline myopathy 2. Last evaluated: 2025-08-18. Review status: criteria provided, single submitter. Criteria: Invitae Variant Classification Sherloc (09022015). Collection method: clinical testing. Allele origin: germline.
Comment: This sequence change replaces tryptophan, which is neutral and slightly polar, with arginine, which is basic and polar, at codon 2874 of the NEB protein (p.Trp2874Arg). This variant is not present in population databases (gnomAD no frequency). This variant has not been reported in the literature in individuals affected with NEB-related conditions. ClinVar contains an entry for this variant (Variation ID: 1467188). Experimental studies and prediction algorithms are not available or were not evaluated, and the functional significance of this variant is currently unknown. In summary, the available evidence is currently insufficient to determine the role of this variant in disease. Therefore, it has been classified as a Variant of Uncertain Significance.